The following is an entry in ClinVar:

ClinVar aggregate classification (germline): Likely pathogenic (1 of 4 stars; one submission).

Conditions:
Hereditary cancer-predisposing syndrome. Also called: Neoplastic Syndromes, Hereditary; Tumor predisposition; Hereditary neoplastic syndrome; Hereditary Cancer Syndrome. Identifiers: Orphanet 140162, MedGen C0027672, MeSH D009386, MONDO:0015356.
Cardiovascular phenotype. Identifiers: MedGen CN230736.

Submission:

Ambry Genetics
Classification: Likely pathogenic for Cardiovascular phenotype; Hereditary cancer-predisposing syndrome. Last evaluated: 2023-07-12. Review status: criteria provided, single submitter. Criteria: Ambry Variant Classification Scheme 2023. Collection method: clinical testing. Allele origin: germline.
Comment: The c.2326-5T>A intronic variant results from a T to A substitution 5 nucleotides upstream from coding exon 20 in the NF1 gene. RNA studies have demonstrated that this alteration results in abnormal splicing in the set of samples tested (Ambry internal data). This nucleotide position is highly conserved in available vertebrate species. In silico splice site analysis for this alteration is inconclusive. This variant is considered to be rare based on population cohorts in the Genome Aggregation Database (gnomAD). Based on the majority of available evidence to date, this variant is likely to be pathogenic.

NM_001042492.3(NF1):c.2326-5T>A

Gene: NF1 (neurofibromin 1; plus strand). Cytogenetic location: 17q11.2.
Variant type: single nucleotide variant.
Coding change: c.2326-5T>A on transcript NM_001042492.3 (MANE Select); 5 bases into the intron before coding-DNA position 2326, T replaced by A.
Molecular consequence: intron variant.
Genome position (GRCh38, 1-based): chr17:31,227,518, T>A. VCF-style: chr17-31227518-T-A. GRCh37 (hg19) VCF-style: chr17-29554536-T-A.
Other names: c.2326-5T>A (NM_000267.4, NM_000267.3).
Identifiers: ClinVar variation 3237675 (VCV003237675.1), dbSNP rs1131691086.